The following is an entry in ClinVar:

ClinVar aggregate classification (germline): Pathogenic/Likely pathogenic. Review status: criteria provided, multiple submitters, no conflicts (2 of 4 stars). 2 submissions from 2 submitters: Pathogenic (1); Likely pathogenic (1). Last evaluated 2022-06-27.

Conditions:
Neuromuscular disease caused by qualitative or quantitative defects of dysferlin. Also called: Qualitative or quantitative defects of dysferlin; Dysferlinopathy. Identifiers: Orphanet 207073, MedGen C2931687, MONDO:0016145.
Miyoshi muscular dystrophy 1 (MMD1). Identifiers: Orphanet 45448, MedGen C4551973, MONDO:0024545, OMIM 254130.

Submissions (2):

Baylor Genetics
Classification: Likely pathogenic for Miyoshi muscular dystrophy 1. Last evaluated: 2022-06-27. Review status: criteria provided, single submitter. Criteria: ACMG Guidelines, 2015. Collection method: clinical testing. Allele origin: unknown.

Labcorp Genetics (formerly Invitae), Labcorp
Classification: Pathogenic for Neuromuscular disease caused by qualitative or quantitative defects of dysferlin. Last evaluated: 2020-10-08. Review status: criteria provided, single submitter. Criteria: Invitae Variant Classification Sherloc (09022015). Collection method: clinical testing. Allele origin: germline.
Comment: This sequence change creates a premature translational stop signal (p.Glu1067Argfs*47) in the DYSF gene. It is expected to result in an absent or disrupted protein product. This variant is not present in population databases (ExAC no frequency). This variant has not been reported in the literature in individuals with DYSF-related conditions. Loss-of-function variants in DYSF are known to be pathogenic (PMID: 17698709, 20301480). For these reasons, this variant has been classified as Pathogenic.

Literature cited by the submitters: PubMed 17698709 (cited by Labcorp Genetics (formerly Invitae), Labcorp); PubMed 20301480 (cited by Labcorp Genetics (formerly Invitae), Labcorp).

NM_001130987.2(DYSF):c.3251dup (p.Glu1085fs)

Gene: DYSF (dysferlin; plus strand). Cytogenetic location: 2p13.2.
Variant type: Duplication.
Coding change: c.3251dup on transcript NM_001130987.2 (MANE Select); coding-DNA position 3251, one base duplicated (G; older notation c.3251dupG).
Protein change: p.Glu1085fs; shifts the reading frame from glutamic acid 1085.
Molecular consequence: frameshift variant.
Genome position (GRCh38, 1-based): chr2:71,574,220, G duplicated; the last of 3 consecutive G bases (chr2:71,574,218-71,574,220); duplicating any one gives the same sequence. VCF-style (leftmost placement, unchanged base first): chr2-71574217-A-AG. GRCh37 (hg19) VCF-style: chr2-71801347-A-AG.
Other names: c.3200dup, p.Glu1068fs (NM_001130455.2, NM_001130983.2); c.3155dup, p.Glu1053fs (NM_001130976.2, NM_001130977.2); c.3197dup, p.Glu1067fs (NM_001130978.2, NM_003494.4); c.3290dup, p.Glu1098fs (NM_001130979.2); c.3248dup, p.Glu1084fs (NM_001130980.2, NM_001130981.2); c.3293dup, p.Glu1099fs (NM_001130982.2); c.3158dup, p.Glu1054fs (NM_001130984.2, NM_001130986.2); c.3251dup, p.Glu1085fs (NM_001130985.2); short protein forms E1053fs, E1054fs, E1067fs, E1068fs, E1084fs, E1085fs, E1098fs, E1099fs.
Identifiers: ClinVar variation 1075368 (VCV001075368.8), dbSNP rs2152822956, ClinGen allele CA2499216216.